The following is an entry in ClinVar:

NM_001035.3(RYR2):c.3028G>T (p.Asp1010Tyr)

Gene: RYR2 (ryanodine receptor 2; plus strand). Cytogenetic location: 1q43.
Variant type: single nucleotide variant.
Coding change: c.3028G>T on transcript NM_001035.3 (MANE Select); coding-DNA position 3028, G replaced by T.
Protein change: p.Asp1010Tyr; replaces aspartic acid 1010 with tyrosine.
Molecular consequence: missense variant.
Genome position (GRCh38, 1-based): chr1:237,548,552, G>T. VCF-style: chr1-237548552-G-T. GRCh37 (hg19) VCF-style: chr1-237711852-G-T.
Other names: short protein forms D1010Y.
Identifiers: ClinVar variation 967567 (VCV000967567.9), dbSNP rs780949229, ClinGen allele CA086271.

ClinVar aggregate classification (germline): Uncertain significance. Review status: criteria provided, multiple submitters, no conflicts (2 of 4 stars). 2 submissions from 2 submitters: Uncertain significance (2). Last evaluated 2025-04-25.

Conditions:
Cardiovascular phenotype. Identifiers: MedGen CN230736.
Catecholaminergic polymorphic ventricular tachycardia 1. Also called: VENTRICULAR TACHYCARDIA, CATECHOLAMINERGIC POLYMORPHIC, 1, WITH OR WITHOUT ATRIAL DYSFUNCTION AND/OR DILATED CARDIOMYOPATHY; RYR2-Related Catecholaminergic Polymorphic Ventricular Tachycardia; VENTRICULAR TACHYCARDIA, STRESS-INDUCED POLYMORPHIC 1. Identifiers: Orphanet 3286, MedGen C1631597, MONDO:0011484, OMIM 604772.

gnomAD v4.1: 8 of 1,613,980 alleles (0.0005%); highest among the groups gnomAD compares: Non-Finnish European, 0.00059%; no homozygotes.

Submissions (2):

Ambry Genetics
Classification: Uncertain significance for Cardiovascular phenotype. Last evaluated: 2025-04-25. Review status: criteria provided, single submitter. Criteria: Ambry Variant Classification Scheme 2023. Collection method: clinical testing. Allele origin: germline.
Comment: The c.3028G>T (p.D1010Y) alteration is located in exon 26 (coding exon 26) of the RYR2 gene. This alteration results from a G to T substitution at nucleotide position 3028, causing the aspartic acid (D) at amino acid position 1010 to be replaced by a tyrosine (Y). Based on data from gnomAD, the T allele has an overall frequency of 0.001% (2/249188) total alleles studied. The highest observed frequency was 0.002% (2/112980) of European (non-Finnish) alleles. This amino acid position is highly conserved in available vertebrate species. This alteration is predicted to be deleterious by in silico analysis. Based on insufficient or conflicting evidence, the clinical significance of this alteration remains unclear.

Labcorp Genetics (formerly Invitae), Labcorp
Classification: Uncertain significance for Catecholaminergic polymorphic ventricular tachycardia 1. Last evaluated: 2023-11-24. Review status: criteria provided, single submitter. Criteria: Invitae Variant Classification Sherloc (09022015). Collection method: clinical testing. Allele origin: germline.
Comment: This sequence change replaces aspartic acid, which is acidic and polar, with tyrosine, which is neutral and polar, at codon 1010 of the RYR2 protein (p.Asp1010Tyr). This variant is present in population databases (rs780949229, gnomAD 0.002%). This variant has not been reported in the literature in individuals affected with RYR2-related conditions. ClinVar contains an entry for this variant (Variation ID: 967567). Advanced modeling of protein sequence and biophysical properties (such as structural, functional, and spatial information, amino acid conservation, physicochemical variation, residue mobility, and thermodynamic stability) performed at Invitae indicates that this missense variant is expected to disrupt RYR2 protein function with a positive predictive value of 80%. In summary, the available evidence is currently insufficient to determine the role of this variant in disease. Therefore, it has been classified as a Variant of Uncertain Significance.